The following is an entry in ClinVar:

NM_001013838.3(CARMIL2):c.4240C>T (p.Pro1414Ser)

Gene: CARMIL2 (capping protein regulator and myosin 1 linker 2; plus strand). Cytogenetic location: 16q22.1.
Variant type: single nucleotide variant.
Coding change: c.4240C>T on transcript NM_001013838.3 (MANE Select); coding-DNA position 4240, C replaced by T.
Protein change: p.Pro1414Ser; replaces proline 1414 with serine.
Molecular consequence: missense variant.
Genome position (GRCh38, 1-based): chr16:67,657,450, C>T. VCF-style: chr16-67657450-C-T. GRCh37 (hg19) VCF-style: chr16-67691353-C-T.
Other names: c.4051C>T, p.Pro1351Ser (NM_001317026.3); short protein forms P1351S, P1414S.
Identifiers: ClinVar variation 3679755 (VCV003679755.1).
Genomic context (GRCh38, chr16:67,657,450, plus strand): 5'-CTCCCTCCCCTCACAGGATCTGGCCTTGGAACCGAGCCTCTGCCCCCACAGCCCACAGAG[C>T]CCTCCAGCCCTGAGCGGAGCCCACCCTCCCCAGCCACAGACCAAAGAGGCGGCGGCCCCA-3'
Protein context (NP_001013860.1, residues 1404-1424): TEPLPPQPTE[Pro1414Ser]SSPERSPPSP

ClinVar aggregate classification (germline): Uncertain significance (1 of 4 stars; one submission).

gnomAD v4.1: 3 of 1,610,804 alleles (0.00019%); highest among the groups gnomAD compares: Admixed American, 0.0017%; no homozygotes.

Submission:

Labcorp Genetics (formerly Invitae), Labcorp
Classification: Uncertain significance. Last evaluated: 2024-03-21. Review status: criteria provided, single submitter. Criteria: Invitae Variant Classification Sherloc (09022015). Collection method: clinical testing. Allele origin: germline.
Comment: This sequence change replaces proline, which is neutral and non-polar, with serine, which is neutral and polar, at codon 1414 of the CARMIL2 protein (p.Pro1414Ser). This variant is not present in population databases (gnomAD no frequency). This variant has not been reported in the literature in individuals affected with CARMIL2-related conditions. Algorithms developed to predict the effect of missense changes on protein structure and function output the following: SIFT: "Not Available"; PolyPhen-2: "Benign"; Align-GVGD: "Not Available". The serine amino acid residue is found in multiple mammalian species, which suggests that this missense change does not adversely affect protein function. In summary, the available evidence is currently insufficient to determine the role of this variant in disease. Therefore, it has been classified as a Variant of Uncertain Significance.